The following is an entry in ClinVar:

ClinVar aggregate classification (germline): Pathogenic (1 of 4 stars; one submission).

Conditions:
Familial cancer of breast. Also called: hereditary breast carcinoma; Hereditary breast cancer; BREAST CANCER, FAMILIAL. Identifiers: Orphanet 227535, MedGen C0346153, MONDO:0016419, OMIM 114480. Disease mechanism: loss of function.

Submission:

Labcorp Genetics (formerly Invitae), Labcorp
Classification: Pathogenic for Familial cancer of breast. Last evaluated: 2021-01-21. Review status: criteria provided, single submitter. Criteria: Invitae Variant Classification Sherloc (09022015). Collection method: clinical testing. Allele origin: germline.
Comment: This variant is a gross deletion of the genomic region encompassing exon(s) 1-7 of the CHEK2 gene, which includes the initiator codon. The 5' end of this event is unknown as it extends beyond the assayed region for this gene and therefore may encompass additional genes. The 3' boundary is likely confined to intron 7 of the CHEK2 gene. It is expected to result in an absent or disrupted protein product. Loss-of-function variants in CHEK2 are known to be pathogenic (PMID: 21876083, 24713400). For these reasons, this variant has been classified as Pathogenic. This variant has not been reported in the literature in individuals with CHEK2-related conditions.

Literature cited by the submitters: PubMed 21876083; PubMed 24713400.

NC_000022.10:g.(?_29105984)_(30337586_?)del

Genes: KREMEN1 (kringle containing transmembrane protein 1; plus strand), ZMAT5 (zinc finger matrin-type 5; minus strand), RHBDD3 (rhomboid domain containing 3; minus strand), C22orf31 (chromosome 22 open reading frame 31; minus strand), CHEK2 (checkpoint kinase 2; minus strand) and 19 more. Cytogenetic location: 22q12.1-12.2.
Variant type: Deletion.
Identifiers: ClinVar variation 1076756 (VCV001076756.4).